The following is an entry in ClinVar:

NM_003872.3(NRP2):c.1574A>G (p.Lys525Arg)

Gene: NRP2 (neuropilin 2; plus strand). Cytogenetic location: 2q33.3.
Variant type: single nucleotide variant.
Coding change: c.1574A>G on transcript NM_003872.3 (MANE Select); coding-DNA position 1574, A replaced by G.
Protein change: p.Lys525Arg; replaces lysine 525 with arginine.
Molecular consequence: missense variant.
Genome position (GRCh38, 1-based): chr2:205,743,485, A>G. VCF-style: chr2-205743485-A-G. GRCh37 (hg19) VCF-style: chr2-206608209-A-G.
Other names: c.1574A>G, p.Lys525Arg (NM_018534.4, NM_201264.2, NM_201266.2 and 2 more transcripts); short protein forms K525R.
Identifiers: ClinVar variation 3344232 (VCV003344232.1).

ClinVar aggregate classification (germline): Uncertain significance (0 of 4 stars; one submission).

Conditions:
NRP2-related disorder. Also called: NRP2-related condition.

gnomAD v4.1: 1 of 1,614,060 alleles (0.000062%); highest among the groups gnomAD compares: African/African-American, 0.0013%; no homozygotes.

Submission:

PreventionGenetics, part of Exact Sciences
Classification: Uncertain significance for NRP2-related condition. Last evaluated: 2024-05-23. Review status: no assertion criteria provided. Collection method: clinical testing. Allele origin: germline.
Comment: The NRP2 c.1574A>G variant is predicted to result in the amino acid substitution p.Lys525Arg. To our knowledge, this variant has not been reported in the literature or in a large population database, indicating this variant is rare. At this time, the clinical significance of this variant is uncertain due to the absence of conclusive functional and genetic evidence.